The following is an entry in ClinVar:

ClinVar aggregate classification (germline): Uncertain significance (1 of 4 stars; one submission).

Conditions:
Inborn genetic diseases. Identifiers: MedGen C0950123, MeSH D030342.

Submission:

Ambry Genetics
Classification: Uncertain significance for Inborn genetic diseases. Last evaluated: 2025-08-11. Review status: criteria provided, single submitter. Criteria: Ambry Variant Classification Scheme 2023. Collection method: clinical testing. Allele origin: germline.
Comment: The c.925A>G (p.R309G) alteration is located in exon 10 (coding exon 10) of the EBF3 gene. This alteration results from an A to G substitution at nucleotide position 925, causing the arginine (R) at amino acid position 309 to be replaced by a glycine (G). This variant was not reported in population-based cohorts in the Genome Aggregation Database (gnomAD). This amino acid position is highly conserved in available vertebrate species. This missense alteration is located in a region that has a low rate of benign missense variation (Lek, 2016; Firth, 2009). The in silico prediction for this alteration is inconclusive. Based on insufficient or conflicting evidence, the clinical significance of this alteration remains unclear.

NM_001375380.1(EBF3):c.952A>G (p.Arg318Gly)

Genes: EBF3 (EBF transcription factor 3; minus strand), EBF3-AS1 (EBF3 antisense RNA 1; plus strand). Cytogenetic location: 10q26.3.
Variant type: single nucleotide variant.
Coding change: c.952A>G on transcript NM_001375380.1 (MANE Select); coding-DNA position 952, A replaced by G.
Protein change: p.Arg318Gly; replaces arginine 318 with glycine.
Molecular consequence: missense variant.
Genome position (GRCh38, 1-based): chr10:129,867,228, T>C on the plus strand (A>G on the coding strand, the complement: EBF3 is on the minus strand). VCF-style: chr10-129867228-T-C. GRCh37 (hg19) VCF-style: chr10-131665492-T-C.
Other names: c.925A>G, p.Arg309Gly (NM_001005463.3, NM_001375390.1, NM_001375392.1); c.952A>G, p.Arg318Gly (NM_001375379.1, NM_001375389.1, NM_001375391.1); short protein forms R309G, R318G.
Identifiers: ClinVar variation 4015926 (VCV004015926.2).